The following is an entry in ClinVar:

ClinVar aggregate classification (germline): Uncertain significance (1 of 4 stars; one submission).

Conditions:
Ehlers-Danlos syndrome, classic type, 1 (EDSCL1). Also called: EHLERS-DANLOS SYNDROME, GRAVIS TYPE; EHLERS-DANLOS SYNDROME, SEVERE CLASSIC TYPE; Ehlers-Danlos syndrome, type 1; EDS I; Ehlers-Danlos Syndrome, Classic Type, COL5A1-Related. Identifiers: MedGen C0268335, MONDO:0019567, OMIM 130000.

gnomAD v4.1: 1 of 1,611,168 alleles (0.000062%); highest among the groups gnomAD compares: African/African-American, 0.0013%; no homozygotes.

Submission:

Dasa
Classification: Uncertain significance for Ehlers-Danlos syndrome, classic type, 1. Last evaluated: 2026-01-05. Review status: criteria provided, single submitter. Criteria: DASA Assertion Criteria. Collection method: clinical testing. Allele origin: germline.
Comment: NM_000093.5(COL5A1):c.1331G>A (p.Gly444Glu) is a missense variant that results in the substitution of glycine with glutamic acid. This variant is rare in population databases. Computational prediction algorithms are consistent with a deleterious effect. The currently available literature and clinical evidence are not sufficient to establish a definitive association between this variant and the reported condition. Therefore, this variant is classified as a variant of uncertain significance.

NM_000093.5(COL5A1):c.1331G>A (p.Gly444Glu)

Gene: COL5A1 (collagen type V alpha 1 chain; plus strand). Cytogenetic location: 9q34.3.
Variant type: single nucleotide variant.
Coding change: c.1331G>A on transcript NM_000093.5 (MANE Select); coding-DNA position 1331, G replaced by A.
Protein change: p.Gly444Glu; replaces glycine 444 with glutamic acid.
Molecular consequence: missense variant.
Genome position (GRCh38, 1-based): chr9:134,731,662, G>A. VCF-style: chr9-134731662-G-A. GRCh37 (hg19) VCF-style: chr9-137623508-G-A.
Other names: c.1331G>A, p.Gly444Glu (NM_001278074.1); short protein forms G444E.
Identifiers: ClinVar variation 4881464 (VCV004881464.2).
Genomic context (GRCh38, chr9:134,731,662, plus strand): 5'-CCAGCTCCCCGTCGGAGATCGGGCCGGGAATGCCGGCGAACCAGGATACCATCTATGAAG[G>A]GGTGAGAGGGTGCAGGCCCCCGTTCCGGGTGGGGTTGGGGGGCTGGTGGGGCATCATGGG-3'
Protein context (NP_000084.3, residues 434-454): MPANQDTIYE[Gly444Glu]IGGPRGEKGQ